The following is an entry in ClinVar:

NM_013352.4(DSE):c.2302G>C (p.Ala768Pro)

Gene: DSE (dermatan sulfate epimerase; plus strand). Cytogenetic location: 6q22.1.
Variant type: single nucleotide variant.
Coding change: c.2302G>C on transcript NM_013352.4 (MANE Select); coding-DNA position 2302, G replaced by C.
Protein change: p.Ala768Pro; replaces alanine 768 with proline.
Molecular consequence: missense variant. On other transcripts: 3 prime UTR variant (2), non-coding transcript variant (1).
Genome position (GRCh38, 1-based): chr6:116,436,770, G>C. VCF-style: chr6-116436770-G-C. GRCh37 (hg19) VCF-style: chr6-116757933-G-C.
Other names: c.2302G>C, p.Ala768Pro (NM_001080976.3, NM_001322937.2, NM_001322938.2); c.2359G>C, p.Ala787Pro (NM_001322939.2); c.1741G>C, p.Ala581Pro (NM_001322940.2, NM_001322941.2); c.*1167G>C (NM_001322943.2, NM_001322944.2); c.1303G>C, p.Ala435Pro (NM_001374520.1); c.1267G>C, p.Ala423Pro (NM_001374521.1); short protein forms A435P, A423P, A581P, A787P, A768P.
Identifiers: ClinVar variation 1926723 (VCV001926723.2), dbSNP rs1562315407, ClinGen allele CA365407365.

ClinVar aggregate classification (germline): Uncertain significance (1 of 4 stars; one submission).

Conditions:
Ehlers-Danlos syndrome, musculocontractural type 2 (EDSMC2). Identifiers: Orphanet 2953, MedGen C3809845, MONDO:0014236, OMIM 615539.

Allele frequency attached by ClinVar (database versions not stated): gnomAD exomes below 0.00001; TOPMed 0.00001; gnomAD 0.00002.
gnomAD v4.1: 6 of 1,614,040 alleles (0.00037%); highest among the groups gnomAD compares: Non-Finnish European, 0.00051%; no homozygotes.

Submission:

Labcorp Genetics (formerly Invitae), Labcorp
Classification: Uncertain significance for Ehlers-Danlos syndrome, musculocontractural type 2. Last evaluated: 2022-07-09. Review status: criteria provided, single submitter. Criteria: Invitae Variant Classification Sherloc (09022015). Collection method: clinical testing. Allele origin: germline.
Comment: This sequence change replaces alanine, which is neutral and non-polar, with proline, which is neutral and non-polar, at codon 768 of the DSE protein (p.Ala768Pro). This variant is not present in population databases (gnomAD no frequency). This variant has not been reported in the literature in individuals affected with DSE-related conditions. Algorithms developed to predict the effect of missense changes on protein structure and function are either unavailable or do not agree on the potential impact of this missense change (SIFT: "Not Available"; PolyPhen-2: "Possibly Damaging"; Align-GVGD: "Not Available"). In summary, the available evidence is currently insufficient to determine the role of this variant in disease. Therefore, it has been classified as a Variant of Uncertain Significance.